The following is an entry in ClinVar:

NM_022367.4(SEMA4A):c.905A>G (p.Asn302Ser)

Gene: SEMA4A (semaphorin 4A; plus strand). Cytogenetic location: 1q22.
Variant type: single nucleotide variant.
Coding change: c.905A>G on transcript NM_022367.4 (MANE Select); coding-DNA position 905, A replaced by G.
Protein change: p.Asn302Ser; replaces asparagine 302 with serine.
Molecular consequence: missense variant.
Genome position (GRCh38, 1-based): chr1:156,161,440, A>G. VCF-style: chr1-156161440-A-G. GRCh37 (hg19) VCF-style: chr1-156131231-A-G.
Other names: c.905A>G, p.Asn302Ser (NM_001193300.2, NM_001193301.2, NM_001370567.1); c.509A>G, p.Asn170Ser (NM_001193302.2); c.608A>G, p.Asn203Ser (NM_001370568.1); c.398A>G, p.Asn133Ser (NM_001370569.1, NM_001370571.1); short protein forms N133S, N170S, N203S, N302S.
Identifiers: ClinVar variation 1945729 (VCV001945729.5), dbSNP rs1231706312, ClinGen allele CA342839374.
Genomic context (GRCh38, chr1:156,161,440, plus strand): 5'-AGTGGACCACCTTCCTGAAGGCCCAGCTGCTCTGCACCCAGCCGGGGCAGCTGCCCTTCA[A>G]CGTCATCCGCCACGCGGTCCTGCTCCCCGCCGATTCTCCCACAGCTCCCCACATCTACGC-3'
Protein context (NP_071762.2, residues 292-312): LCTQPGQLPF[Asn302Ser]VIRHAVLLPA

ClinVar aggregate classification (germline): Uncertain significance (1 of 4 stars; one submission).

Allele frequency attached by ClinVar (database versions not stated): gnomAD exomes below 0.00001; gnomAD 0.00001.
gnomAD v4.1: 2 of 1,613,832 alleles (0.00012%); highest among the groups gnomAD compares: African/African-American, 0.0027%; no homozygotes.

Submission:

Labcorp Genetics (formerly Invitae), Labcorp
Classification: Uncertain significance. Last evaluated: 2022-05-20. Review status: criteria provided, single submitter. Criteria: Invitae Variant Classification Sherloc (09022015). Collection method: clinical testing. Allele origin: germline.
Comment: This variant has not been reported in the literature in individuals affected with SEMA4A-related conditions. In summary, the available evidence is currently insufficient to determine the role of this variant in disease. Therefore, it has been classified as a Variant of Uncertain Significance. Algorithms developed to predict the effect of sequence changes on RNA splicing suggest that this variant may create or strengthen a splice site. Algorithms developed to predict the effect of missense changes on protein structure and function are either unavailable or do not agree on the potential impact of this missense change (SIFT: "Tolerated"; PolyPhen-2: "Probably Damaging"; Align-GVGD: "Class C0"). This variant is present in population databases (no rsID available, gnomAD 0.01%). This sequence change replaces asparagine, which is neutral and polar, with serine, which is neutral and polar, at codon 302 of the SEMA4A protein (p.Asn302Ser).